The following is an entry in ClinVar:

NM_024642.5(GALNT12):c.1073G>A (p.Cys358Tyr)

Gene: GALNT12 (polypeptide N-acetylgalactosaminyltransferase 12; plus strand). Cytogenetic location: 9q22.33.
Variant type: single nucleotide variant.
Coding change: c.1073G>A on transcript NM_024642.5 (MANE Select); coding-DNA position 1073, G replaced by A.
Protein change: p.Cys358Tyr; replaces cysteine 358 with tyrosine.
Molecular consequence: missense variant.
Genome position (GRCh38, 1-based): chr9:98,837,009, G>A. VCF-style: chr9-98837009-G-A. GRCh37 (hg19) VCF-style: chr9-101599291-G-A.
Other names: short protein forms C358Y.
Identifiers: ClinVar variation 1360050 (VCV001360050.12), dbSNP rs143652350, ClinGen allele CA5154168.

ClinVar aggregate classification (germline): Uncertain significance. Review status: criteria provided, multiple submitters, no conflicts (2 of 4 stars). 3 submissions from 3 submitters: Uncertain significance (3). Last evaluated 2024-06-06.

Conditions:
Colorectal cancer, susceptibility to, 1. Also called: COLORECTAL ADENOMA AND CANCER, SUSCEPTIBILITY TO; COLORECTAL CANCER, SUSCEPTIBILITY TO, ON CHROMOSOME 9. Identifiers: MedGen C1837315, MONDO:0012132, OMIM 608812.

Allele frequency attached by ClinVar (database versions not stated): TOPMed 0.00002; gnomAD exomes 0.00004; ESP Exome Variant Server 0.00015; gnomAD 0.00001.
gnomAD v4.1: 60 of 1,614,044 alleles (0.0037%); highest among the groups gnomAD compares: Non-Finnish European, 0.0047%; no homozygotes.

Submissions (3):

Ambry Genetics
Classification: Uncertain significance. Last evaluated: 2024-06-06. Review status: criteria provided, single submitter. Criteria: Ambry Variant Classification Scheme 2023. Collection method: clinical testing. Allele origin: germline.
Comment: The p.C358Y variant (also known as c.1073G>A), located in coding exon 6 of the GALNT12 gene, results from a G to A substitution at nucleotide position 1073. The cysteine at codon 358 is replaced by tyrosine, an amino acid with highly dissimilar properties. This amino acid position is highly conserved in available vertebrate species. In addition, this alteration is predicted to be deleterious by in silico analysis. The evidence for this gene-disease relationship is limited; therefore, the clinical significance of this alteration is unclear.

Labcorp Genetics (formerly Invitae), Labcorp
Classification: Uncertain significance. Last evaluated: 2023-10-27. Review status: criteria provided, single submitter. Criteria: Invitae Variant Classification Sherloc (09022015). Collection method: clinical testing. Allele origin: germline.
Comment: This sequence change replaces cysteine, which is neutral and slightly polar, with tyrosine, which is neutral and polar, at codon 358 of the GALNT12 protein (p.Cys358Tyr). This variant is present in population databases (rs143652350, gnomAD 0.004%). This variant has not been reported in the literature in individuals affected with GALNT12-related conditions. ClinVar contains an entry for this variant (Variation ID: 1360050). Advanced modeling of protein sequence and biophysical properties (such as structural, functional, and spatial information, amino acid conservation, physicochemical variation, residue mobility, and thermodynamic stability) performed at Invitae indicates that this missense variant is expected to disrupt GALNT12 protein function with a positive predictive value of 80%. In summary, the available evidence is currently insufficient to determine the role of this variant in disease. Therefore, it has been classified as a Variant of Uncertain Significance.

Baylor Genetics
Classification: Uncertain significance for Colorectal cancer, susceptibility to, 1. Last evaluated: 2023-09-29. Review status: criteria provided, single submitter. Criteria: ACMG Guidelines, 2015. Collection method: clinical testing. Allele origin: unknown.